The following is an entry in ClinVar:

ClinVar aggregate classification (germline): Conflicting classifications of pathogenicity. Review status: criteria provided, conflicting classifications (1 of 4 stars). 5 submissions from 5 submitters: Uncertain significance (4); Likely benign (1). Last evaluated 2025-09-09.

Conditions:
Hereditary cancer-predisposing syndrome. Also called: Neoplastic Syndromes, Hereditary; Tumor predisposition; Hereditary Cancer Syndrome; Hereditary neoplastic syndrome. Identifiers: Orphanet 140162, MedGen C0027672, MeSH D009386, MONDO:0015356.
Familial adenomatous polyposis 2. Also called: Adenomas, multiple colorectal; COLORECTAL ADENOMATOUS POLYPOSIS, AUTOSOMAL RECESSIVE; ADENOMAS, MULTIPLE COLORECTAL, AUTOSOMAL RECESSIVE; MYH-associated polyposis; MUTYH Polyposis; FAP type 2. Identifiers: Orphanet 220460, Orphanet 247798, MedGen C3272841, MONDO:0012041, OMIM 608456.

Allele frequency attached by ClinVar (database versions not stated): TOPMed 0.00001.

Submissions (5):

Ambry Genetics
Classification: Likely benign for Hereditary cancer-predisposing syndrome. Last evaluated: 2025-09-09. Review status: criteria provided, single submitter. Criteria: Ambry Variant Classification Scheme 2023. Collection method: clinical testing. Allele origin: germline.

Labcorp Genetics (formerly Invitae), Labcorp
Classification: Uncertain significance for Familial adenomatous polyposis 2. Last evaluated: 2024-01-05. Review status: criteria provided, single submitter. Criteria: Invitae Variant Classification Sherloc (09022015). Collection method: clinical testing. Allele origin: germline.
Comment: This sequence change replaces proline, which is neutral and non-polar, with leucine, which is neutral and non-polar, at codon 470 of the MUTYH protein (p.Pro470Leu). This variant is not present in population databases (gnomAD no frequency). This variant has not been reported in the literature in individuals affected with MUTYH-related conditions. ClinVar contains an entry for this variant (Variation ID: 186410). Algorithms developed to predict the effect of missense changes on protein structure and function output the following: SIFT: "Not Available"; PolyPhen-2: "Benign"; Align-GVGD: "Not Available". The leucine amino acid residue is found in multiple mammalian species, which suggests that this missense change does not adversely affect protein function. In summary, the available evidence is currently insufficient to determine the role of this variant in disease. Therefore, it has been classified as a Variant of Uncertain Significance.

Baylor Genetics
Classification: Uncertain significance for Familial adenomatous polyposis 2. Last evaluated: 2023-11-11. Review status: criteria provided, single submitter. Criteria: ACMG Guidelines, 2015. Collection method: clinical testing. Allele origin: unknown.

All of Us Research Program, National Institutes of Health
Classification: Uncertain significance for Familial adenomatous polyposis 2. Last evaluated: 2023-08-15. Review status: criteria provided, single submitter. Criteria: ACMG Guidelines, 2015. Collection method: clinical testing. Allele origin: germline. Inheritance: Autosomal recessive inheritance. Observed: 1 variant allele, 1 heterozygote.
Comment: This missense variant replaces proline with leucine at codon 470 of the MUTYH protein. Computational prediction suggests that this variant may not impact protein structure and function (internally defined REVEL score threshold <= 0.5, PMID: 27666373). To our knowledge, functional studies have not been reported for this variant. This variant has not been reported in individuals affected with hereditary cancer in the literature. This variant has not been identified in the general population by the Genome Aggregation Database (gnomAD). The available evidence is insufficient to determine the role of this variant in disease conclusively. Therefore, this variant is classified as a Variant of Uncertain Significance.

This study involves interpretation of variants in research participants for the purpose of population health screening. Participant phenotype was not available at the time of variant classification. Additional details can be found in publication PMID: 35346344, PMCID: PMC8962531

GeneDx
Classification: Uncertain significance. Last evaluated: 2019-05-23. Review status: criteria provided, single submitter. Criteria: GeneDx Variant Classification Process June 2021. Collection method: clinical testing. Allele origin: germline. Affected: yes.
Comment: Not observed in large population cohorts (Lek et al., 2016); Has not been previously published as pathogenic or benign to our knowledge; In-silico analysis, which includes splice predictors and evolutionary conservation, is inconclusive as to whether the variant alters gene splicing. In the absence of RNA/functional studies, the actual effect of this sequence change is unknown.

Literature cited by the submitters: PubMed 40738107 (cited by Ambry Genetics).

NM_001048174.2(MUTYH):c.1325C>T (p.Pro442Leu)

Gene: MUTYH (mutY DNA glycosylase; minus strand). Cytogenetic location: 1p34.1.
Variant type: single nucleotide variant.
Coding change: c.1325C>T on transcript NM_001048174.2 (MANE Select); coding-DNA position 1325, C replaced by T.
Protein change: p.Pro442Leu; replaces proline 442 with leucine.
Molecular consequence: missense variant. On other transcripts: non-coding transcript variant (2).
Genome position (GRCh38, 1-based): chr1:45,331,249, G>A on the plus strand (C>T on the coding strand, the complement: MUTYH is on the minus strand). VCF-style: chr1-45331249-G-A. GRCh37 (hg19) VCF-style: chr1-45796921-G-A.
Other names: c.1325C>T, p.Pro442Leu (NM_001048171.2, NM_001048173.2, NM_001293195.2); c.1328C>T, p.Pro443Leu (NM_001048172.2); c.1409C>T, p.Pro470Leu (NM_001128425.2); c.1370C>T, p.Pro457Leu (NM_001293190.2); c.1358C>T, p.Pro453Leu (NM_001293191.2); c.1049C>T, p.Pro350Leu (NM_001293192.2, NM_001293196.2); c.980C>T, p.Pro327Leu (NM_001350650.2, NM_001350651.2); c.1400C>T, p.Pro467Leu (NM_012222.3); short protein forms P470L, P350L, P443L, P453L, P467L, P327L, P442L, P457L.
Identifiers: ClinVar variation 186410 (VCV000186410.13), dbSNP rs786202930, ClinGen allele CA012713.
Genomic context (GRCh38, chr1:45,331,249, plus strand): 5'-ATGGCGGTGGAAACAGCTGCGGTGTGAAATTCCTCCTGCGTCAGCCAGCGAGCACCTGGT[G>A]GTACGGTGGTCACTGGGGTCTGCCCTTCCAAGGCCAGCCCATATACTTGATATGTCAGCT-3'
Protein context (NP_001041639.1, residues 432-452): LEGQTPVTTV[Pro442Leu]PGARWLTQEE